The following is an entry in ClinVar:

ClinVar aggregate classification (germline): Uncertain significance. Review status: criteria provided, multiple submitters, no conflicts (2 of 4 stars). 2 submissions from 2 submitters: Uncertain significance (2). Last evaluated 2024-12-21.

Conditions:
Neuroblastoma, susceptibility to, 3. Also called: ALK-Related Neuroblastic Tumor Susceptibility. Identifiers: Orphanet 635, MedGen C2751681, MONDO:0013083, OMIM 613014.
Hereditary cancer-predisposing syndrome. Also called: Hereditary neoplastic syndrome; Neoplastic Syndromes, Hereditary; Hereditary Cancer Syndrome; Tumor predisposition. Identifiers: Orphanet 140162, MedGen C0027672, MeSH D009386, MONDO:0015356.

Submissions (2):

Ambry Genetics
Classification: Uncertain significance for Hereditary cancer-predisposing syndrome. Last evaluated: 2024-12-21. Review status: criteria provided, single submitter. Criteria: Ambry Variant Classification Scheme 2023. Collection method: clinical testing. Allele origin: germline.
Comment: The p.R209G variant (also known as c.625C>G), located in coding exon 1 of the ALK gene, results from a C to G substitution at nucleotide position 625. The arginine at codon 209 is replaced by glycine, an amino acid with dissimilar properties. This amino acid position is conserved. In addition, this alteration is predicted to be deleterious by in silico analysis. Based on the available evidence, the clinical significance of this variant remains unclear.

Labcorp Genetics (formerly Invitae), Labcorp
Classification: Uncertain significance for Neuroblastoma, susceptibility to, 3. Last evaluated: 2021-03-06. Review status: criteria provided, single submitter. Criteria: Invitae Variant Classification Sherloc (09022015). Collection method: clinical testing. Allele origin: germline.
Comment: This sequence change replaces arginine with glycine at codon 209 of the ALK protein (p.Arg209Gly). The arginine residue is weakly conserved and there is a moderate physicochemical difference between arginine and glycine. This variant is not present in population databases (ExAC no frequency). This variant has not been reported in the literature in individuals with ALK-related conditions. Algorithms developed to predict the effect of missense changes on protein structure and function are either unavailable or do not agree on the potential impact of this missense change (SIFT: "Deleterious"; PolyPhen-2: "Benign"; Align-GVGD: "Class C0"). In summary, the available evidence is currently insufficient to determine the role of this variant in disease. Therefore, it has been classified as a Variant of Uncertain Significance.

NM_004304.5(ALK):c.625C>G (p.Arg209Gly)

Gene: ALK (ALK receptor tyrosine kinase; minus strand). Cytogenetic location: 2p23.1.
Variant type: single nucleotide variant.
Coding change: c.625C>G on transcript NM_004304.5 (MANE Select); coding-DNA position 625, C replaced by G.
Protein change: p.Arg209Gly; replaces arginine 209 with glycine.
Molecular consequence: missense variant.
Genome position (GRCh38, 1-based): chr2:29,920,035, G>C on the plus strand (C>G on the coding strand, the complement: ALK is on the minus strand). VCF-style: chr2-29920035-G-C. GRCh37 (hg19) VCF-style: chr2-30142901-G-C.
Other names: c.625C>G (NM_004304.4); short protein forms R209G.
Identifiers: ClinVar variation 1412744 (VCV001412744.9), dbSNP rs1365924896, ClinGen allele CA346589664.